The following is an entry in ClinVar:

ClinVar aggregate classification (germline): Uncertain significance (1 of 4 stars; one submission).

Conditions:
Tumor predisposition syndrome 3 (TPDS3). Also called: Melanoma, cutaneous malignant, susceptibility to, 10; Glioma susceptibility 9; LONG TELOMERE SYNDROME, POT1-RELATED; POT1 Tumor Predisposition. Identifiers: Orphanet 618, MedGen C4014476, MONDO:0014368, OMIM 615848.

Submission:

Labcorp Genetics (formerly Invitae), Labcorp
Classification: Uncertain significance for Tumor predisposition syndrome 3. Last evaluated: 2021-12-12. Review status: criteria provided, single submitter. Criteria: Invitae Variant Classification Sherloc (09022015). Collection method: clinical testing. Allele origin: germline.
Comment: This sequence change replaces lysine, which is basic and polar, with asparagine, which is neutral and polar, at codon 182 of the POT1 protein (p.Lys182Asn). RNA analysis indicates that this missense change induces altered splicing and likely results in a shortened protein product. This variant is not present in population databases (gnomAD no frequency). This variant has not been reported in the literature in individuals affected with POT1-related conditions. Algorithms developed to predict the effect of missense changes on protein structure and function are either unavailable or do not agree on the potential impact of this missense change (SIFT: "Deleterious"; PolyPhen-2: "Possibly Damaging"; Align-GVGD: "Class C0"). Variants that disrupt the consensus splice site are a relatively common cause of aberrant splicing (PMID: 17576681, 9536098). Studies have shown that this missense change results in skipping of exon 8, but is expected to preserve the integrity of the reading-frame (Invitae). In summary, the available evidence is currently insufficient to determine the role of this variant in disease. Therefore, it has been classified as a Variant of Uncertain Significance.

Literature cited by the submitters: PubMed 17576681; PubMed 9536098.

NM_015450.3(POT1):c.546G>C (p.Lys182Asn)

Gene: POT1 (protection of telomeres 1; minus strand). Cytogenetic location: 7q31.33.
Variant type: single nucleotide variant.
Coding change: c.546G>C on transcript NM_015450.3 (MANE Select); coding-DNA position 546, G replaced by C.
Protein change: p.Lys182Asn; replaces lysine 182 with asparagine.
Molecular consequence: missense variant. On other transcripts: non-coding transcript variant (3).
Genome position (GRCh38, 1-based): chr7:124,863,350, C>G on the plus strand (G>C on the coding strand, the complement: POT1 is on the minus strand). VCF-style: chr7-124863350-C-G. GRCh37 (hg19) VCF-style: chr7-124503404-C-G.
Other names: c.153G>C, p.Lys51Asn (NM_001042594.2); short protein forms K51N, K182N.
Identifiers: ClinVar variation 2040101 (VCV002040101.4), dbSNP rs1280084769, ClinGen allele CA369058547.